The following is an entry in ClinVar:

NM_015141.4(GPD1L):c.566G>A (p.Arg189Gln)

Gene: GPD1L (glycerol-3-phosphate dehydrogenase 1 like; plus strand). Cytogenetic location: 3p22.3.
Variant type: single nucleotide variant.
Coding change: c.566G>A on transcript NM_015141.4 (MANE Select); coding-DNA position 566, G replaced by A.
Protein change: p.Arg189Gln; replaces arginine 189 with glutamine.
Molecular consequence: missense variant.
Genome position (GRCh38, 1-based): chr3:32,146,682, G>A. VCF-style: chr3-32146682-G-A. GRCh37 (hg19) VCF-style: chr3-32188174-G-A.
Other names: short protein forms R189Q.
Identifiers: ClinVar variation 1906102 (VCV001906102.6), dbSNP rs1317776176, ClinGen allele CA351967488.
Genomic context (GRCh38, chr3:32,146,682, plus strand): 5'-GCAGCAAAGTAATGGAGAACGGCCTTCTCTTCAAAGAACTTCTGCAGACTCCAAATTTTC[G>A]AATTACCGTGGTTGATGATGCAGACACTGTTGAACTCTGTGGTGCGCTTAAGGTAAAGTC-3'
Protein context (NP_055956.1, residues 179-199): FKELLQTPNF[Arg189Gln]ITVVDDADTV

ClinVar aggregate classification (germline): Uncertain significance. Review status: criteria provided, multiple submitters, no conflicts (2 of 4 stars). 2 submissions from 2 submitters: Uncertain significance (2). Last evaluated 2025-11-26.

Conditions:
Cardiovascular phenotype. Identifiers: MedGen CN230736.
Brugada syndrome. Also called: Sudden unexpected nocturnal death syndrome; Sudden Unexplained Death Syndrome; Sudden Unexplained Nocturnal Death Syndrome (SUNDS); Sudden unexplained nocturnal death syndrome. Identifiers: Orphanet 130, MedGen C1142166, MONDO:0015263.

Allele frequency attached by ClinVar (database versions not stated): gnomAD exomes below 0.00001; TOPMed 0.00001.
gnomAD v4.1: 6 of 1,613,748 alleles (0.00037%); highest among the groups gnomAD compares: Non-Finnish European, 0.00051%; no homozygotes.

Submissions (2):

Ambry Genetics
Classification: Uncertain significance for Cardiovascular phenotype. Last evaluated: 2025-11-26. Review status: criteria provided, single submitter. Criteria: Ambry Variant Classification Scheme 2023. Collection method: clinical testing. Allele origin: germline.

Labcorp Genetics (formerly Invitae), Labcorp
Classification: Uncertain significance for Brugada syndrome. Last evaluated: 2022-07-12. Review status: criteria provided, single submitter. Criteria: Invitae Variant Classification Sherloc (09022015). Collection method: clinical testing. Allele origin: germline.
Comment: This sequence change replaces arginine, which is basic and polar, with glutamine, which is neutral and polar, at codon 189 of the GPD1L protein (p.Arg189Gln). This variant is not present in population databases (gnomAD no frequency). This variant has not been reported in the literature in individuals affected with GPD1L-related conditions. Algorithms developed to predict the effect of missense changes on protein structure and function are either unavailable or do not agree on the potential impact of this missense change (SIFT: "Deleterious"; PolyPhen-2: "Benign"; Align-GVGD: "Class C0"). In summary, the available evidence is currently insufficient to determine the role of this variant in disease. Therefore, it has been classified as a Variant of Uncertain Significance.